The following is an entry in ClinVar:

NM_004517.4(ILK):c.1258C>T (p.His420Tyr)

Genes: ILK (integrin linked kinase; plus strand), TAF10 (TATA-box binding protein associated factor 10; minus strand). Cytogenetic location: 11p15.4.
Variant type: single nucleotide variant.
Coding change: c.1258C>T on transcript NM_004517.4 (MANE Select); coding-DNA position 1258, C replaced by T.
Protein change: p.His420Tyr; replaces histidine 420 with tyrosine.
Molecular consequence: missense variant. On other transcripts: 3 prime UTR variant (1).
Genome position (GRCh38, 1-based): chr11:6,610,510, C>T. VCF-style: chr11-6610510-C-T. GRCh37 (hg19) VCF-style: chr11-6631741-C-T.
Other names: c.1258C>T, p.His420Tyr (NM_001014794.3, NM_001014795.3); c.1075C>T, p.His359Tyr (NM_001278441.2); c.856C>T, p.His286Tyr (NM_001278442.2); c.*412G>A (NM_006284.4); short protein forms H420Y, H286Y, H359Y.
Identifiers: ClinVar variation 532033 (VCV000532033.9), dbSNP rs1554900107, ClinGen allele CA379468037.

ClinVar aggregate classification (germline): Uncertain significance (1 of 4 stars; one submission).

Conditions:
Primary familial hypertrophic cardiomyopathy (HCM). Identifiers: Orphanet 99739, MedGen C0949658, MeSH D024741, MONDO:0024573. Inheritance: Various modes of inheritance.

Allele frequency attached by ClinVar (database versions not stated): gnomAD exomes below 0.00001.
gnomAD v4.1: 4 of 1,614,212 alleles (0.00025%); highest among the groups gnomAD compares: Non-Finnish European, 0.00034%; no homozygotes.

Submission:

Labcorp Genetics (formerly Invitae), Labcorp
Classification: Uncertain significance for Primary familial hypertrophic cardiomyopathy. Last evaluated: 2017-12-22. Review status: criteria provided, single submitter. Criteria: Invitae Variant Classification Sherloc (09022015). Collection method: clinical testing. Allele origin: germline.
Comment: In summary, the available evidence is currently insufficient to determine the role of this variant in disease. Therefore, it has been classified as a Variant of Uncertain Significance. Algorithms developed to predict the effect of missense changes on protein structure and function do not agree on the potential impact of this missense change (SIFT: "Deleterious"; PolyPhen-2: "Probably Damaging"; Align-GVGD: "Class C0"). This variant has not been reported in the literature in individuals with ILK-related disease. This variant is not present in population databases (ExAC no frequency). This sequence change replaces histidine with tyrosine at codon 420 of the ILK protein (p.His420Tyr). The histidine residue is highly conserved and there is a moderate physicochemical difference between histidine and tyrosine.